The following is an entry in ClinVar:

ClinVar aggregate classification (germline): Uncertain significance (1 of 4 stars; one submission).

gnomAD v4.1: 5 of 1,604,986 alleles (0.00031%); highest among the groups gnomAD compares: East Asian, 0.0022%; no homozygotes.

Submission:

Labcorp Genetics (formerly Invitae), Labcorp
Classification: Uncertain significance. Last evaluated: 2025-12-02. Review status: criteria provided, single submitter. Criteria: Invitae Variant Classification Sherloc (09022015). Collection method: clinical testing. Allele origin: germline.
Comment: This sequence change replaces alanine, which is neutral and non-polar, with threonine, which is neutral and polar, at codon 2850 of the SRCAP protein (p.Ala2850Thr). This variant is not present in population databases (gnomAD no frequency). This variant has not been reported in the literature in individuals affected with SRCAP-related conditions. ClinVar contains an entry for this variant (Variation ID: 3719576). Invitae Evidence Modeling of protein sequence and biophysical properties (such as structural, functional, and spatial information, amino acid conservation, physicochemical variation, residue mobility, and thermodynamic stability) indicates that this missense variant is not expected to disrupt SRCAP protein function with a negative predictive value of 80%. In summary, the available evidence is currently insufficient to determine the role of this variant in disease. Therefore, it has been classified as a Variant of Uncertain Significance.

NM_006662.3(SRCAP):c.8548G>A (p.Ala2850Thr)

Gene: SRCAP (Snf2 related CREBBP activator protein; plus strand). Cytogenetic location: 16p11.2.
Variant type: single nucleotide variant.
Coding change: c.8548G>A on transcript NM_006662.3 (MANE Select); coding-DNA position 8548, G replaced by A.
Protein change: p.Ala2850Thr; replaces alanine 2850 with threonine.
Molecular consequence: missense variant.
Genome position (GRCh38, 1-based): chr16:30,738,588, G>A. VCF-style: chr16-30738588-G-A. GRCh37 (hg19) VCF-style: chr16-30749909-G-A.
Other names: short protein forms A2850T.
Identifiers: ClinVar variation 3719576 (VCV003719576.2).
Genomic context (GRCh38, chr16:30,738,588, plus strand): 5'-CACATTGAGCTGGGGGTGACTGGTGGTGGCAGCCCCGAGAATGGAGACGGAGCACTGCTC[G>A]CCATCACCCCACCTGCTGTGAAACGTCGGAGGGGGAGGCCCCCCAAGAAGAACAGGTCTC-3'
Protein context (NP_006653.2, residues 2840-2860): SPENGDGALL[Ala2850Thr]ITPPAVKRRR